The following is an entry in ClinVar:

NM_001231.5(CASQ1):c.707T>A (p.Met236Lys)

Gene: CASQ1 (calsequestrin 1; plus strand). Cytogenetic location: 1q23.2.
Variant type: single nucleotide variant.
Coding change: c.707T>A on transcript NM_001231.5 (MANE Select); coding-DNA position 707, T replaced by A.
Protein change: p.Met236Lys; replaces methionine 236 with lysine.
Molecular consequence: missense variant.
Genome position (GRCh38, 1-based): chr1:160,195,952, T>A. VCF-style: chr1-160195952-T-A. GRCh37 (hg19) VCF-style: chr1-160165742-T-A.
Other names: c.707T>A (NM_001231.4); short protein forms M236K.
Identifiers: ClinVar variation 1930774 (VCV001930774.6), dbSNP rs1027830210, ClinGen allele CA343258373.

ClinVar aggregate classification (germline): Uncertain significance (1 of 4 stars; one submission).

Conditions:
Myopathy due to calsequestrin and SERCA1 protein overload. Also called: Myopathy, vacuolar, with casq1 aggregates. Identifiers: Orphanet 88635, MedGen C4015624, MONDO:0014546, OMIM 616231.

Submission:

Labcorp Genetics (formerly Invitae), Labcorp
Classification: Uncertain significance. Last evaluated: 2022-03-21. Review status: criteria provided, single submitter. Criteria: Invitae Variant Classification Sherloc (09022015). Collection method: clinical testing. Allele origin: germline.
Comment: In summary, the available evidence is currently insufficient to determine the role of this variant in disease. Therefore, it has been classified as a Variant of Uncertain Significance. Algorithms developed to predict the effect of missense changes on protein structure and function (SIFT, PolyPhen-2, Align-GVGD) all suggest that this variant is likely to be tolerated. This variant has not been reported in the literature in individuals affected with CASQ1-related conditions. This variant is not present in population databases (gnomAD no frequency). This sequence change replaces methionine, which is neutral and non-polar, with lysine, which is basic and polar, at codon 236 of the CASQ1 protein (p.Met236Lys).